The following is an entry in ClinVar:

ClinVar aggregate classification (germline): Likely benign. Review status: criteria provided, multiple submitters, no conflicts (2 of 4 stars). 2 submissions from 2 submitters: Likely benign (2). Last evaluated 2025-11-24.

Conditions:
Immunodeficiency 132A. Also called: Herpes simplex encephalitis, susceptibility to, 3. Identifiers: Orphanet 1930, MedGen C3553868, MONDO:0013920, OMIM 614849.
TRAF3-related disorder. Also called: TRAF3 related condition.

Allele frequency attached by ClinVar (database versions not stated): 1000 Genomes Project 30x 0.00016; 1000 Genomes Project 0.00020; ExAC 0.00019; TOPMed 0.00002.
gnomAD v4.1: 111 of 1,614,190 alleles (0.0069%); highest among the groups gnomAD compares: South Asian, 0.11%; 1 homozygote.

Submissions (2):

Labcorp Genetics (formerly Invitae), Labcorp
Classification: Likely benign for Immunodeficiency 132A. Last evaluated: 2025-11-24. Review status: criteria provided, single submitter. Criteria: Invitae Variant Classification Sherloc (09022015). Collection method: clinical testing. Allele origin: germline.

PreventionGenetics, part of Exact Sciences
Classification: Likely benign for TRAF3-related condition. Last evaluated: 2025-05-05. Review status: criteria provided, single submitter. Criteria: ACMG Guidelines, 2015. Collection method: clinical testing. Allele origin: germline.
Comment: This variant is classified as likely benign based on ACMG/AMP sequence variant interpretation guidelines (Richards et al. 2015 PMID: 25741868, with internal and published modifications).

NM_145725.3(TRAF3):c.74G>T (p.Arg25Leu)

Gene: TRAF3 (TNF receptor associated factor 3; plus strand). Cytogenetic location: 14q32.32.
Variant type: single nucleotide variant.
Coding change: c.74G>T on transcript NM_145725.3 (MANE Select); coding-DNA position 74, G replaced by T.
Protein change: p.Arg25Leu; replaces arginine 25 with leucine.
Molecular consequence: missense variant.
Genome position (GRCh38, 1-based): chr14:102,870,275, G>T. VCF-style: chr14-102870275-G-T. GRCh37 (hg19) VCF-style: chr14-103336612-G-T.
Other names: c.74G>T, p.Arg25Leu (NM_001199427.2, NM_001385142.1, NM_001385143.1 and 2 more transcripts); short protein forms R25L.
Identifiers: ClinVar variation 863160 (VCV000863160.5), dbSNP rs370955205, ClinGen allele CA7359151.
Genomic context (GRCh38, chr14:102,870,275, plus strand): 5'-AAAAGATGGACTCTCCTGGCGCGCTGCAGACTAACCCGCCGCTAAAGCTGCACACTGACC[G>T]CAGTGCTGGGACGCCAGTTTTTGTCCCTGAACAAGGAGGTTACAAGGAAAAGTTTGTGAA-3'
Protein context (NP_663777.1, residues 15-35): TNPPLKLHTD[Arg25Leu]SAGTPVFVPE